The following is an entry in ClinVar:

NM_145290.4(ADGRA3):c.3569A>T (p.Tyr1190Phe)

Gene: ADGRA3 (adhesion G protein-coupled receptor A3; minus strand). Cytogenetic location: 4p15.2.
Variant type: single nucleotide variant.
Coding change: c.3569A>T on transcript NM_145290.4 (MANE Select); coding-DNA position 3569, A replaced by T.
Protein change: p.Tyr1190Phe; replaces tyrosine 1190 with phenylalanine.
Molecular consequence: missense variant.
Genome position (GRCh38, 1-based): chr4:22,388,102, T>A on the plus strand (A>T on the coding strand, the complement: ADGRA3 is on the minus strand). VCF-style: chr4-22388102-T-A. GRCh37 (hg19) VCF-style: chr4-22389725-T-A.
Other names: short protein forms Y1190F.
Identifiers: ClinVar variation 3631702 (VCV003631702.2).

ClinVar aggregate classification (germline): Uncertain significance (1 of 4 stars; one submission).

gnomAD v4.1: 1 of 1,614,192 alleles (0.000062%); highest among the groups gnomAD compares: Non-Finnish European, 0.000085%; no homozygotes.

Submission:

Labcorp Genetics (formerly Invitae), Labcorp
Classification: Uncertain significance. Last evaluated: 2024-03-28. Review status: criteria provided, single submitter. Criteria: Invitae Variant Classification Sherloc (09022015). Collection method: clinical testing. Allele origin: germline.
Comment: This sequence change replaces tyrosine, which is neutral and polar, with phenylalanine, which is neutral and non-polar, at codon 1190 of the ADGRA3 protein (p.Tyr1190Phe). This variant is not present in population databases (gnomAD no frequency). This variant has not been reported in the literature in individuals affected with ADGRA3-related conditions. An algorithm developed to predict the effect of missense changes on protein structure and function (PolyPhen-2) suggests that this variant is likely to be disruptive. In summary, the available evidence is currently insufficient to determine the role of this variant in disease. Therefore, it has been classified as a Variant of Uncertain Significance.